The following is an entry in ClinVar:

NM_020975.6(RET):c.1998G>C (p.Lys666Asn)

Gene: RET (ret proto-oncogene; plus strand). Cytogenetic location: 10q11.21.
Variant type: single nucleotide variant.
Coding change: c.1998G>C on transcript NM_020975.6 (MANE Select); coding-DNA position 1998, G replaced by C.
Protein change: p.Lys666Asn; replaces lysine 666 with asparagine.
Molecular consequence: missense variant.
Genome position (GRCh38, 1-based): chr10:43,114,598, G>C. VCF-style: chr10-43114598-G-C. GRCh37 (hg19) VCF-style: chr10-43610046-G-C.
Other names: c.1998G>C, p.Lys666Asn (NM_001406744.1, NM_001406759.1, NM_001406760.1 and 4 more transcripts); c.1869G>C, p.Lys623Asn (NM_001406761.1, NM_001406762.1, NM_001406764.1); c.1710G>C, p.Lys570Asn (NM_001406766.1, NM_001406767.1, NM_001406770.1); c.1602G>C, p.Lys534Asn (NM_001406769.1, NM_001406772.1); c.1560G>C, p.Lys520Asn (NM_001406771.1, NM_001406773.1); c.1101G>C, p.Lys367Asn (NM_001406782.1, NM_001406779.1, NM_001406780.1 and 1 more transcripts); c.972G>C, p.Lys324Asn (NM_001406783.1, NM_001406786.1); c.1008G>C, p.Lys336Asn (NM_001406784.1); and 7 more; short protein forms K666N, K412N, K183N, K491N, K570N, K623N, K336N, K424N.
Identifiers: ClinVar variation 230926 (VCV000230926.37), dbSNP rs146646971, ClinGen allele CA036775.

ClinVar aggregate classification (germline): Pathogenic/Likely pathogenic. Review status: criteria provided, multiple submitters, no conflicts (2 of 4 stars). 18 submissions from 18 submitters: Pathogenic (11); Likely pathogenic (7). Last evaluated 2026-06-01.

Conditions:
Pheochromocytoma. Also called: MAX-Related Hereditary Paraganglioma-Pheochromocytoma Syndrome. Identifiers: Orphanet 29072, MedGen C0031511, MONDO:0008233, OMIM 171300, HP:0002666.
Hirschsprung disease, susceptibility to, 1 (HSCR1). Also called: RET-Related Hirschsprung Disease. Identifiers: Orphanet 388, MedGen C3888239, MONDO:0007723, OMIM 142623.
Familial medullary thyroid carcinoma (MTC). Also called: Thyroid cancer, familial medullary; MTC, familial; Familial Medullary Thyroid Carcinoma (FMTC). Identifiers: Orphanet 653, Orphanet 99361, MedGen C1833921, MONDO:0007958, OMIM 155240.
Multiple endocrine neoplasia type 2B. Also called: WAGENMANN-FROBOESE SYNDROME; MULTIPLE ENDOCRINE NEOPLASIA, TYPE III; MEN 2B; MUCOSAL NEUROMA SYNDROME; MULTIPLE ENDOCRINE NEOPLASIA, TYPE IIB; MEN IIB. Identifiers: Orphanet 247709, Orphanet 653, MedGen C0025269, MeSH D018814, MONDO:0008082, OMIM 162300.
Multiple endocrine neoplasia type 2A. Also called: MULTIPLE ENDOCRINE NEOPLASIA, TYPE IIA; PTC SYNDROME; SIPPLE SYNDROME; MEN 2A; MEN-2A syndrome; Pheochromocytoma and amyloid producing medullary thyroid carcinoma. Identifiers: Orphanet 247698, Orphanet 653, MedGen C0025268, MeSH D018813, MONDO:0008234, OMIM 171400.
RET-related disorder. Also called: RET-related disorders; RET-related condition; RET-related disease.
Hereditary cancer-predisposing syndrome. Also called: Tumor predisposition; Hereditary neoplastic syndrome; Neoplastic Syndromes, Hereditary; Hereditary Cancer Syndrome. Identifiers: Orphanet 140162, MedGen C0027672, MeSH D009386, MONDO:0015356.
Multiple endocrine neoplasia, type 2 (MEN2). Identifiers: Orphanet 653, MedGen C4048306, MONDO:0019003. Disease mechanism: gain of function.
MEN2 phenotype: Unclassified. Identifiers: MedGen CN311636.

Allele frequency attached by ClinVar (database versions not stated): TOPMed 0.00003.
gnomAD v4.1: 9 of 1,612,836 alleles (0.00056%); highest among the groups gnomAD compares: Middle Eastern, 0.016%; no homozygotes.

Submissions 1 to 4 of 18:

CeGaT Center for Human Genetics Tuebingen
Classification: Likely pathogenic. Last evaluated: 2026-06-01. Review status: criteria provided, single submitter. Criteria: CeGaT Center For Human Genetics Tuebingen Variant Classification Criteria Version 2. Collection method: clinical testing. Allele origin: germline. Affected: yes. Observed: 1 variant allele.
Comment: RET: PS1, PM5, PS4:Moderate, PM2:Supporting, PS3:Supporting, BP4

Ambry Genetics
Classification: Pathogenic for Hereditary cancer-predisposing syndrome. Last evaluated: 2026-05-15. Review status: criteria provided, single submitter. Criteria: Ambry Variant Classification Scheme 2023. Collection method: clinical testing. Allele origin: germline.
Comment: The c.1998G>C (p.K666N) alteration is located in exon 11 (coding exon 11) of the RET gene. This alteration results from a G to C substitution at nucleotide position 1998, causing the lysine (K) at amino acid position 666 to be replaced by an asparagine (N). with moderate risk for MEN2; however, its clinical significance for Hirschsprung disease is uncertain. This variant was not reported in population-based cohorts in the Genome Aggregation Database (gnomAD). This specific variant was identified in one patient from a screen of 329 patients with sporadic paraganglioma or pheochromocytoma (Curr&aacute;s-Freixes, 2015). A similar variant causing the same amino acid change (c.1998G>T p.K666N) was identified in eight unrelated index cases with medullary thyroid carcinoma (MTC) (Xu, 2016). Analysis of the families from these 8 cases showed several additional family members who were carriers of the variant that also had either MTC or C-cell hyperplasia. Xu et al. conclude that this variant is low penetrance MTC allele, with no evidence for association with other MEN2A pathogenic features of pheochromocytoma and parathyroid abnormalities. In addition, several other variants at this same position (p.K666E, p.K666R, and p.K666M) have been identified in sporadic cases of MTC (Borrello, 2011; Yamazaki, 2014) or in large pedigrees demonstrating segregation with MTC or C-cell hyperplasia (Ahmed, 2005; Mastroianno, 2011). Of note, The American Thyroid Association has designated p.K666E as a mutation with moderate risk for MTC,10% incidence of pheochromocytomas and no incidence of hyperparathyroidism (Wells, 2015). As observed in the literature and Ambry internal data, p.K666N, is primarily associated with MTC and not other features of MEN2A. This amino acid position is highly conserved in available vertebrate species. Analysis by Muzza et al. demonstrated increased oncogenic potential as compared to wild type, as well as significant structural impact that was predicted to alter the transmembrane &alpha;-helix, likely changing the secondary structure of the protein (Muzza, 2010). The in silico prediction for this alteration is inconclusive. Based on the available evidence, this alteration is classified as pathogenic.

Labcorp Genetics (formerly Invitae), Labcorp
Classification: Pathogenic for Multiple endocrine neoplasia, type 2. Last evaluated: 2025-12-17. Review status: criteria provided, single submitter. Criteria: Invitae Variant Classification Sherloc (09022015). Collection method: clinical testing. Allele origin: germline.
Comment: This sequence change replaces lysine, which is basic and polar, with asparagine, which is neutral and polar, at codon 666 of the RET protein (p.Lys666Asn). This variant is not present in population databases (gnomAD no frequency). This missense change has been observed in individual(s) with medullary thyroid carcinoma, C-cell dysplasia, and elevated calcitonin levels and pheochromocytoma (PMID: 20103606, 26269449, 26687385, 27673361). It has also been observed to segregate with disease in related individuals. ClinVar contains an entry for this variant (Variation ID: 230926). An algorithm developed to predict the effect of missense changes on protein structure and function (PolyPhen-2) suggests that this variant is likely to be disruptive. Experimental studies have shown that this missense change affects RET function (PMID: 20103606). This variant disrupts the p.Lys666 amino acid residue in RET. Other variant(s) that disrupt this residue have been determined to be pathogenic (PMID: 15858153, 21690267). This suggests that this residue is clinically significant, and that variants that disrupt this residue are likely to be disease-causing. For these reasons, this variant has been classified as Pathogenic.

PreventionGenetics, part of Exact Sciences
Classification: Pathogenic for RET-related condition. Last evaluated: 2025-12-05. Review status: criteria provided, single submitter. Criteria: ACMG Guidelines, 2015. Collection method: clinical testing. Allele origin: germline.
Comment: The RET c.1998G>C variant is predicted to result in the amino acid substitution p.Lys666Asn. This variant has been reported in the heterozygous state in several individuals with a personal and family history of medullary thyroid cancer (MTC), and an in vitro assay showed it displayed high kinase and transforming activity (Muzza et al. 2010. PubMed ID: 20103606; Xu et al. 2016. PubMed ID: 27673361). This variant was also reported in a cohort of individuals with pheochromocytoma (Supplementary Data, Curras-Freixes et al. 2015. PubMed ID: 26269449) and in cohorts of individuals with breast cancer (Bernstein-Molho et al. 2019. PubMed ID: 30980208; Yablonski-Peretz et al. 2016. PubMed ID: 26687385). Lastly, this variant was reported in the homozygous state in an individual with medullary thyroid cancer and bilateral pheochromocytoma; the patient's son, who carried this variant in the heterozygous state, also had MTC (Jaber et al. 2018. PubMed ID: 29408964). However, not all carriers of this variant were affected at the time of testing, suggesting potential incomplete penetrance or variable age at onset. Other amino acid substitutions at this position have been reported in individuals with MTC or pheochromocytoma, suggesting that this amino acid residue may be critical for function (for example, Ahmed et al. 2005. PubMed ID: 15858153; Muzza et al. 2010. PubMed ID: 20103606). This variant has not been reported in a large population database (gnomAD), indicating this variant is rare, and is interpreted as pathogenic and likely pathogenic in ClinVar (Variation ID: 230926). This variant is interpreted as pathogenic.